The following is an entry in ClinVar:

ClinVar aggregate classification (germline): Pathogenic (1 of 4 stars; one submission).

Submission:

Labcorp Genetics (formerly Invitae), Labcorp
Classification: Pathogenic. Last evaluated: 2022-03-31. Review status: criteria provided, single submitter. Criteria: Invitae Variant Classification Sherloc (09022015). Collection method: clinical testing. Allele origin: germline.
Comment: For these reasons, this variant has been classified as Pathogenic. This variant has not been reported in the literature in individuals affected with TGM1-related conditions. This variant is not present in population databases (gnomAD no frequency). This sequence change creates a premature translational stop signal (p.Lys199Glufs*15) in the TGM1 gene. It is expected to result in an absent or disrupted protein product. Loss-of-function variants in TGM1 are known to be pathogenic (PMID: 18948357, 19241467).

Literature cited by the submitters: PubMed 18948357; PubMed 19241467.

NM_000359.3(TGM1):c.572_594dup (p.Lys199fs)

Gene: TGM1 (transglutaminase 1; minus strand). Cytogenetic location: 14q12.
Variant type: Duplication.
Coding change: c.572_594dup on transcript NM_000359.3 (MANE Select); coding-DNA positions 572 to 594, 23 bases duplicated (GAGGCTGGAAAGCCCAGGTGGTC).
Protein change: p.Lys199fs; shifts the reading frame from lysine 199.
Molecular consequence: frameshift variant.
Genome position (GRCh38, 1-based): chr14:24,260,613-24,260,635, GACCACCTGGGCTTTCCAGCCTC duplicated on the plus strand (GAGGCTGGAAAGCCCAGGTGGTC on the coding strand, the reverse complement: TGM1 is on the minus strand). VCF-style (leftmost placement, unchanged base first): chr14-24260612-T-TGACCACCTGGGCTTTCCAGCCTC. GRCh37 (hg19) VCF-style: chr14-24729818-T-TGACCACCTGGGCTTTCCAGCCTC.
Other names: short protein forms K199fs.
Identifiers: ClinVar variation 2119755 (VCV002119755.4), dbSNP rs2502505952, ClinGen allele CA2580087985.
Genomic context (GRCh38, chr14:24,260,612, plus strand): 5'-TGCCGATGATGGCGTTGGGGGAAGTGTGGACCCGCAGGTTCAGATTCTGCCCACTGGCCT[T>TGACCACCTGGGCTTTCCAGCCTC]GACCACCTGGGCTTTCCAGCCTCCACTGCCCCCCTTGCCCACTGGGATGATCACGTGCGT-3'